The following is an entry in ClinVar:

ClinVar aggregate classification (germline): Likely benign. Review status: criteria provided, multiple submitters, no conflicts (2 of 4 stars). 2 submissions from 2 submitters: Likely benign (2). Last evaluated 2025-12-09.

Allele frequency attached by ClinVar (database versions not stated): gnomAD 0.00001; gnomAD exomes 0.00001; TOPMed 0.00001; ExAC 0.00002.
gnomAD v4.1: 16 of 1,613,652 alleles (0.00099%); highest among the groups gnomAD compares: South Asian, 0.0066%; no homozygotes.

Submissions (2):

Labcorp Genetics (formerly Invitae), Labcorp
Classification: Likely benign. Last evaluated: 2025-12-09. Review status: criteria provided, single submitter. Criteria: Invitae Variant Classification Sherloc (09022015). Collection method: clinical testing. Allele origin: germline.

GeneDx
Classification: Likely benign. Last evaluated: 2017-08-23. Review status: criteria provided, single submitter. Criteria: GeneDx Variant Classification (06012015). Collection method: clinical testing. Allele origin: germline. Affected: yes.
Comment: This variant is considered likely benign or benign based on one or more of the following criteria: it is a conservative change, it occurs at a poorly conserved position in the protein, it is predicted to be benign by multiple in silico algorithms, and/or has population frequency not consistent with disease.

NM_006231.4(POLE):c.1923+18G>A

Gene: POLE (DNA polymerase epsilon, catalytic subunit; minus strand). Cytogenetic location: 12q24.33.
Variant type: single nucleotide variant.
Coding change: c.1923+18G>A on transcript NM_006231.4 (MANE Select); 18 bases into the intron after coding-DNA position 1923, G replaced by A.
Molecular consequence: intron variant.
Genome position (GRCh38, 1-based): chr12:132,668,793, C>T on the plus strand (G>A on the coding strand, the complement: POLE is on the minus strand). VCF-style: chr12-132668793-C-T. GRCh37 (hg19) VCF-style: chr12-133245379-C-T.
Identifiers: ClinVar variation 511689 (VCV000511689.10), dbSNP rs1387507213, ClinGen allele CA6893772.